The following is an entry in ClinVar:

ClinVar aggregate classification (germline): Uncertain significance (1 of 4 stars; one submission).

Allele frequency attached by ClinVar (database versions not stated): TOPMed below 0.00001.

Submission:

GeneDx
Classification: Uncertain significance. Last evaluated: 2023-01-17. Review status: criteria provided, single submitter. Criteria: GeneDx Variant Classification Process June 2021. Collection method: clinical testing. Allele origin: germline. Affected: yes.
Comment: Not observed at significant frequency in large population cohorts (gnomAD); In silico analysis supports that this missense variant does not alter protein structure/function; Has not been previously published as pathogenic or benign to our knowledge

NM_003482.4(KMT2D):c.5101G>T (p.Val1701Leu)

Gene: KMT2D (lysine methyltransferase 2D; minus strand). Cytogenetic location: 12q13.12.
Variant type: single nucleotide variant.
Coding change: c.5101G>T on transcript NM_003482.4 (MANE Select); coding-DNA position 5101, G replaced by T.
Protein change: p.Val1701Leu; replaces valine 1701 with leucine.
Molecular consequence: missense variant.
Genome position (GRCh38, 1-based): chr12:49,044,287, C>A on the plus strand (G>T on the coding strand, the complement: KMT2D is on the minus strand). VCF-style: chr12-49044287-C-A. GRCh37 (hg19) VCF-style: chr12-49438070-C-A.
Other names: short protein forms V1701L.
Identifiers: ClinVar variation 2572911 (VCV002572911.1), dbSNP rs1943682063, ClinGen allele CA384636940.